The following is an entry in ClinVar:

ClinVar aggregate classification (germline): Uncertain significance (1 of 4 stars; one submission).

gnomAD v4.1: 3 of 1,613,436 alleles (0.00019%); highest among the groups gnomAD compares: South Asian, 0.0022%; no homozygotes.

Submission:

Labcorp Genetics (formerly Invitae), Labcorp
Classification: Uncertain significance. Last evaluated: 2025-10-28. Review status: criteria provided, single submitter. Criteria: Invitae Variant Classification Sherloc (09022015). Collection method: clinical testing. Allele origin: germline.
Comment: This sequence change affects a donor splice site in intron 6 of the MYLK3 gene. It is expected to disrupt RNA splicing. Variants that disrupt the donor or acceptor splice site typically lead to a loss of protein function (PMID: 16199547), however the current clinical and genetic evidence is not sufficient to establish whether loss-of-function variants in MYLK3 cause disease. This variant is not present in population databases (gnomAD no frequency). This variant has not been reported in the literature in individuals affected with MYLK3-related conditions. Algorithms developed to predict the effect of sequence changes on RNA splicing suggest that this variant may disrupt the consensus splice site. In summary, the available evidence is currently insufficient to determine the role of this variant in disease. Therefore, it has been classified as a Variant of Uncertain Significance.

Literature cited by the submitters: PubMed 16199547.

NM_182493.3(MYLK3):c.1662+1G>A

Gene: MYLK3 (myosin light chain kinase 3; minus strand). Cytogenetic location: 16q11.2.
Variant type: single nucleotide variant.
Coding change: c.1662+1G>A on transcript NM_182493.3 (MANE Select); the canonical splice donor site of the intron after coding-DNA position 1662, G replaced by A.
Molecular consequence: splice donor variant.
Genome position (GRCh38, 1-based): chr16:46,729,593, C>T on the plus strand (G>A on the coding strand, the complement: MYLK3 is on the minus strand). VCF-style: chr16-46729593-C-T. GRCh37 (hg19) VCF-style: chr16-46763505-C-T.
Other names: c.639+1G>A (NM_001308301.1).
Identifiers: ClinVar variation 4780732 (VCV004780732.1).